The following is an entry in ClinVar:

NM_014855.3(AP5Z1):c.*1182C>T

Gene: AP5Z1 (adaptor related protein complex 5 subunit zeta 1; plus strand). Cytogenetic location: 7p22.1.
Variant type: single nucleotide variant.
Coding change: c.*1182C>T on transcript NM_014855.3 (MANE Select); 1182 bases downstream of the stop codon, C replaced by T.
Molecular consequence: 3 prime UTR variant. On other transcripts: non-coding transcript variant (1).
Genome position (GRCh38, 1-based): chr7:4,792,567, C>T. VCF-style: chr7-4792567-C-T. GRCh37 (hg19) VCF-style: chr7-4832198-C-T.
Other names: c.*1182C>T (LRG_1247t1, NM_001364858.1).
Identifiers: ClinVar variation 360376 (VCV000360376.5), dbSNP rs11971803, ClinGen allele CA10629182.

ClinVar aggregate classification (germline): Likely benign (1 of 4 stars; one submission).

Conditions:
Hereditary spastic paraplegia 48. Also called: SPASTIC PARAPLEGIA 48, AUTOSOMAL RECESSIVE; Spastic paraplegia 48. Identifiers: Orphanet 306511, MedGen C3150901, MONDO:0013342, OMIM 613647.

Allele frequency attached by ClinVar (database versions not stated): gnomAD 0.04061 and 0.04393; 1000 Genomes Project 0.04173; 1000 Genomes Project 30x 0.04497; TOPMed 0.04689.

Submission:

Illumina Laboratory Services, Illumina
Classification: Likely benign for Hereditary spastic paraplegia 48. Last evaluated: 2017-04-27. Review status: criteria provided, single submitter. Criteria: ICSL Variant Classification Criteria 13 December 2019. Collection method: clinical testing. Allele origin: germline.
Comment: This variant was observed as part of a predisposition screen in an ostensibly healthy population. A literature search was performed for the gene, cDNA change, and amino acid change (where applicable). No publications were found based on this search. Allele frequency data from public databases allowed determination this variant is unlikely to cause disease. Therefore, this variant is classified as likely benign.